The following is an entry in ClinVar:

NM_003072.5(SMARCA4):c.2194T>C (p.Tyr732His)

Gene: SMARCA4 (SWI/SNF related BAF chromatin remodeling complex subunit ATPase 4; plus strand). Cytogenetic location: 19p13.2.
Variant type: single nucleotide variant.
Coding change: c.2194T>C on transcript NM_003072.5 (MANE Select); coding-DNA position 2194, T replaced by C.
Protein change: p.Tyr732His; replaces tyrosine 732 with histidine.
Molecular consequence: missense variant. On other transcripts: non-coding transcript variant (1).
Genome position (GRCh38, 1-based): chr19:11,010,451, T>C. VCF-style: chr19-11010451-T-C. GRCh37 (hg19) VCF-style: chr19-11121127-T-C.
Other names: c.2194T>C, p.Tyr732His (NM_001128844.3, NM_001128845.2, NM_001128846.2 and 6 more transcripts); short protein forms Y732H.
Identifiers: ClinVar variation 2841082 (VCV002841082.3), dbSNP rs2146236249, ClinGen allele CA404052802.

ClinVar aggregate classification (germline): Likely pathogenic (1 of 4 stars; one submission).

Conditions:
Rhabdoid tumor predisposition syndrome 2 (RTPS2). Identifiers: Orphanet 231108, Orphanet 69077, MedGen C2750074, MONDO:0013224, OMIM 613325.

Submission:

Labcorp Genetics (formerly Invitae), Labcorp
Classification: Likely pathogenic for Rhabdoid tumor predisposition syndrome 2. Last evaluated: 2023-03-03. Review status: criteria provided, single submitter. Criteria: Invitae Variant Classification Sherloc (09022015). Collection method: clinical testing. Allele origin: germline.
Comment: This sequence change replaces tyrosine, which is neutral and polar, with histidine, which is basic and polar, at codon 732 of the SMARCA4 protein (p.Tyr732His). This variant is not present in population databases (gnomAD no frequency). This variant has not been reported in the literature in individuals affected with SMARCA4-related conditions. Advanced modeling of protein sequence and biophysical properties (such as structural, functional, and spatial information, amino acid conservation, physicochemical variation, residue mobility, and thermodynamic stability) performed at Invitae indicates that this missense variant is expected to disrupt SMARCA4 protein function. This variant disrupts the p.Tyr732 amino acid residue in SMARCA4. Other variant(s) that disrupt this residue have been determined to be pathogenic (PMID: 33223419). This suggests that this residue is clinically significant, and that variants that disrupt this residue are likely to be disease-causing. In summary, the currently available evidence indicates that the variant is pathogenic, but additional data are needed to prove that conclusively. Therefore, this variant has been classified as Likely Pathogenic.

Literature cited by the submitters: PubMed 33223419.